The following is an entry in ClinVar:

NM_001161352.2(KCNMA1):c.460G>T (p.Ala154Ser)

Gene: KCNMA1 (potassium calcium-activated channel subfamily M alpha 1; minus strand). Cytogenetic location: 10q22.3.
Variant type: single nucleotide variant.
Coding change: c.460G>T on transcript NM_001161352.2 (MANE Select); coding-DNA position 460, G replaced by T.
Protein change: p.Ala154Ser; replaces alanine 154 with serine.
Molecular consequence: missense variant. On other transcripts: intron variant (1).
Genome position (GRCh38, 1-based): chr10:77,403,942, C>A on the plus strand (G>T on the coding strand, the complement: KCNMA1 is on the minus strand). VCF-style: chr10-77403942-C-A. GRCh37 (hg19) VCF-style: chr10-79163700-C-A.
Other names: c.460G>T, p.Ala154Ser (NM_001014797.3, NM_001161353.2, NM_001271519.2 and 7 more transcripts); c.379-152686G>T (NM_001271518.2); short protein forms A154S.
Identifiers: ClinVar variation 501214 (VCV000501214.50), dbSNP rs142858967, ClinGen allele CA5568696.
Genomic context (GRCh38, chr10:77,403,942, plus strand): 5'-TCTGGGCGGATATCATCACCCCCGCCCAGTCCTTCACGGAGGTCATCCAGCCGACCTCGG[C>A]GGCCACTGCCTCCTCTTTTTCATCCACTGGTTTGAGAGTGCCATCCGCCTGGCTTGAGCC-3'
Protein context (NP_001154824.1, residues 144-164): PVDEKEEAVA[Ala154Ser]EVGWMTSVKD

ClinVar aggregate classification (germline): Uncertain significance. Review status: criteria provided, multiple submitters, no conflicts (2 of 4 stars). 6 submissions from 6 submitters: Uncertain significance (6). Last evaluated 2025-01-29.

Conditions:
Cerebellar atrophy, developmental delay, and seizures. Identifiers: MedGen C4539985, MONDO:0060551, OMIM 617643.
Generalized epilepsy-paroxysmal dyskinesia syndrome (PNKD3). Also called: Paroxysmal nonkinesigenic dyskinesia, 3, with or without generalized epilepsy; Generalized epilepsy and paroxysmal dyskinesia. Identifiers: Orphanet 79137, MedGen C5574945, MONDO:0012276, OMIM 609446.
Inborn genetic diseases. Identifiers: MedGen C0950123, MeSH D030342.

Allele frequency attached by ClinVar (database versions not stated): ExAC 0.00001; TOPMed 0.00003; ESP Exome Variant Server 0.00015.
gnomAD v4.1: 74 of 1,614,012 alleles (0.0046%); highest among the groups gnomAD compares: Non-Finnish European, 0.006%; no homozygotes.

Submissions (6):

Labcorp Genetics (formerly Invitae), Labcorp
Classification: Uncertain significance for Generalized epilepsy-paroxysmal dyskinesia syndrome. Last evaluated: 2025-01-29. Review status: criteria provided, single submitter. Criteria: Invitae Variant Classification Sherloc (09022015). Collection method: clinical testing. Allele origin: germline.
Comment: This sequence change replaces alanine, which is neutral and non-polar, with serine, which is neutral and polar, at codon 154 of the KCNMA1 protein (p.Ala154Ser). This variant is present in population databases (rs142858967, gnomAD 0.006%). This variant has not been reported in the literature in individuals affected with KCNMA1-related conditions. ClinVar contains an entry for this variant (Variation ID: 501214). Invitae Evidence Modeling of protein sequence and biophysical properties (such as structural, functional, and spatial information, amino acid conservation, physicochemical variation, residue mobility, and thermodynamic stability) indicates that this missense variant is not expected to disrupt KCNMA1 protein function with a negative predictive value of 80%. In summary, the available evidence is currently insufficient to determine the role of this variant in disease. Therefore, it has been classified as a Variant of Uncertain Significance.

GeneDx
Classification: Uncertain significance. Last evaluated: 2024-03-13. Review status: criteria provided, single submitter. Criteria: GeneDx Variant Classification Process June 2021. Collection method: clinical testing. Allele origin: germline.
Comment: In silico analysis supports that this missense variant does not alter protein structure/function; Has not been previously published as pathogenic or benign to our knowledge

Ambry Genetics
Classification: Uncertain significance for Inborn genetic diseases. Last evaluated: 2023-03-07. Review status: criteria provided, single submitter. Criteria: Ambry Variant Classification Scheme 2023. Collection method: clinical testing. Allele origin: germline.

CeGaT Center for Human Genetics Tuebingen
Classification: Uncertain significance. Last evaluated: 2022-03-01. Review status: criteria provided, single submitter. Criteria: CeGaT Center For Human Genetics Tuebingen Variant Classification Criteria Version 2. Collection method: clinical testing. Allele origin: germline. Affected: yes. Observed: 1 variant allele.
Comment: KCNMA1: PP2, BP4

Fulgent Genetics
Classification: Uncertain significance for Generalized epilepsy-paroxysmal dyskinesia syndrome; Cerebellar atrophy, developmental delay, and seizures. Last evaluated: 2018-10-31. Review status: criteria provided, single submitter. Criteria: ACMG Guidelines, 2015. Collection method: clinical testing. Allele origin: unknown.

Eurofins Ntd Llc (ga)
Classification: Uncertain significance. Last evaluated: 2017-04-13. Review status: criteria provided, single submitter. Criteria: EGL Classification Definitions 2015. Collection method: clinical testing. Allele origin: germline. Observed: 1 variant allele, 1 heterozygote.